The following is an entry in ClinVar:

ClinVar aggregate classification (germline): Uncertain significance (1 of 4 stars; one submission).

gnomAD v4.1: 1 of 1,308,870 alleles (0.000076%); highest among the groups gnomAD compares: Non-Finnish European, 0.000098%; no homozygotes.

Submission:

Greenwood Genetic Center Diagnostic Laboratories, Greenwood Genetic Center
Classification: Uncertain significance. Last evaluated: 2024-04-02. Review status: criteria provided, single submitter. Criteria: ACMG Guidelines, 2015. Collection method: clinical testing. Allele origin: germline. Affected: yes.
Comment: PM2, BP4

NM_017802.4(DNAAF5):c.250T>C (p.Cys84Arg)

Genes: DNAAF5 (dynein axonemal assembly factor 5; plus strand), PRKAR1B (protein kinase cAMP-dependent type I regulatory subunit beta; minus strand), LOC129997730 (ATAC-STARR-seq lymphoblastoid silent region 17816; plus strand). Cytogenetic location: 7p22.3.
Variant type: single nucleotide variant.
Coding change: c.250T>C on transcript NM_017802.4 (MANE Select); coding-DNA position 250, T replaced by C.
Protein change: p.Cys84Arg; replaces cysteine 84 with arginine.
Molecular consequence: missense variant. On other transcripts: non-coding transcript variant (1), intron variant (3).
Genome position (GRCh38, 1-based): chr7:726,970, T>C. VCF-style: chr7-726970-T-C. GRCh37 (hg19) VCF-style: chr7-766607-T-C.
Other names: c.-23+685A>G (NM_001164759.1); c.-23+620A>G (NM_001164758.2); c.-23+240A>G (NM_001164760.2); short protein forms C84R.
Identifiers: ClinVar variation 3338609 (VCV003338609.1).